The following is an entry in ClinVar:

NM_198334.3(GANAB):c.1309C>T (p.Arg437Trp)

Gene: GANAB (glucosidase II alpha subunit; minus strand). Cytogenetic location: 11q12.3.
Variant type: single nucleotide variant.
Coding change: c.1309C>T on transcript NM_198334.3 (MANE Select); coding-DNA position 1309, C replaced by T.
Protein change: p.Arg437Trp; replaces arginine 437 with tryptophan.
Molecular consequence: missense variant.
Genome position (GRCh38, 1-based): chr11:62,630,678, G>A on the plus strand (C>T on the coding strand, the complement: GANAB is on the minus strand). VCF-style: chr11-62630678-G-A. GRCh37 (hg19) VCF-style: chr11-62398150-G-A.
Other names: c.1033C>T, p.Arg345Trp (NM_001278192.2); c.967C>T, p.Arg323Trp (NM_001278193.2); c.1018C>T, p.Arg340Trp (NM_001278194.2, NM_001329222.2, NM_001329223.2); c.586C>T, p.Arg196Trp (NM_001329224.2, NM_001329225.2); c.1375C>T, p.Arg459Trp (NM_198335.4); short protein forms R196W, R323W, R340W, R345W, R437W, R459W.
Identifiers: ClinVar variation 4072818 (VCV004072818.1).
Genomic context (GRCh38, chr11:62,630,678, plus strand): 5'-CCAAGCGCTCAAGCATGGTGCGGGGCTGAGGGAAGCGACTGGGGTCCCAGGTGAAATACC[G>A]CTTGCCATCAGCATGTTCAATGTCTAGCCAGATGACATCACAGGGCAGGTTGTGATCATC-3'
Protein context (NP_938148.1, residues 427-447): WLDIEHADGK[Arg437Trp]YFTWDPSRFP

ClinVar aggregate classification (germline): Uncertain significance (1 of 4 stars; one submission).

Submission:

GeneDx
Classification: Uncertain significance. Last evaluated: 2025-02-04. Review status: criteria provided, single submitter. Criteria: GeneDx Variant Classification Process June 2021. Collection method: clinical testing. Allele origin: germline. Affected: yes.
Comment: In silico analysis supports that this missense variant has a deleterious effect on protein structure/function; Has not been previously published as pathogenic or benign to our knowledge